The following is an entry in ClinVar:

ClinVar aggregate classification (germline): Likely pathogenic (1 of 4 stars; one submission).

Conditions:
Neuromuscular disease caused by qualitative or quantitative defects of dystrophin. Also called: Qualitative or quantitative defects of dystrophin. Identifiers: Orphanet 207085, MedGen C5679787, MONDO:0016147.

Submission:

Women's Health and Genetics/Laboratory Corporation of America, LabCorp
Classification: Likely pathogenic for Neuromuscular disease caused by qualitative or quantitative defects of dystrophin. Last evaluated: 2021-07-23. Review status: criteria provided, single submitter. Criteria: LabCorp Variant Classification Summary - May 2015. Collection method: clinical testing. Allele origin: germline.
Comment: Variant summary: The variant identified by MLPA or other technology involves the deletion of exons 49-58 in the DMD gene. A presumed nomenclature of c.(7098+1_7099-1)_(8668+1_8669-1)del has been designated for the purposes of this classification. Although exact breakpoints of this deletion are not known, it is expected to result in a frameshift in the DMD gene (p.Glu2367Serfs*29), a known mechanism of disease. The variant was absent in 16120 control chromosomes (gnomAD, Structural Variants dataset). To our knowledge, no occurrence of c.(7098+1_7099-1)_(8668+1_8669-1)del in individuals affected with Dystrophinopathies and no experimental evidence demonstrating its impact on protein function have been reported. However, several other deletions involving exons 49 and 58 have been reported in multiple patients with Dystrophinopathies in both ClinVar and HGMD databases (example: deletions of exons 49-54, exons 46-59, exons 49-52, exons 49-57, exons 45-58). No clinical diagnostic laboratories have submitted clinical-significance assessments for this variant to ClinVar after 2014. Based on the evidence outlined above, the variant was classified as likely pathogenic.

NC_000023.10:g.(31496492_31497099)_(31854937_31893304)del

Gene: DMD (dystrophin; minus strand). Cytogenetic location: Xp21.2-21.1.
Variant type: Deletion.
Identifiers: ClinVar variation 1192269 (VCV001192269.1).